The following is an entry in ClinVar:

ClinVar aggregate classification (germline): Uncertain significance (1 of 4 stars; one submission).

Submission:

Labcorp Genetics (formerly Invitae), Labcorp
Classification: Uncertain significance. Last evaluated: 2025-09-10. Review status: criteria provided, single submitter. Criteria: Invitae Variant Classification Sherloc (09022015). Collection method: clinical testing. Allele origin: germline.
Comment: This sequence change replaces alanine, which is neutral and non-polar, with valine, which is neutral and non-polar, at codon 263 of the MSH3 protein (p.Ala263Val). This variant is not present in population databases (gnomAD no frequency). This variant has not been reported in the literature in individuals affected with MSH3-related conditions. An algorithm developed to predict the effect of missense changes on protein structure and function (PolyPhen-2) suggests that this variant is likely to be disruptive. In summary, the available evidence is currently insufficient to determine the role of this variant in disease. Therefore, it has been classified as a Variant of Uncertain Significance.

NM_002439.5(MSH3):c.788C>T (p.Ala263Val)

Gene: MSH3 (mutS homolog 3; plus strand). Cytogenetic location: 5q14.1.
Variant type: single nucleotide variant.
Coding change: c.788C>T on transcript NM_002439.5 (MANE Select); coding-DNA position 788, C replaced by T.
Protein change: p.Ala263Val; replaces alanine 263 with valine.
Molecular consequence: missense variant.
Genome position (GRCh38, 1-based): chr5:80,670,305, C>T. VCF-style: chr5-80670305-C-T. GRCh37 (hg19) VCF-style: chr5-79966124-C-T.
Other names: short protein forms A263V.
Identifiers: ClinVar variation 4726905 (VCV004726905.1).